The following is an entry in ClinVar:

NM_024334.3(TMEM43):c.1185A>G (p.Pro395=)

Gene: TMEM43 (transmembrane protein 43; plus strand). Cytogenetic location: 3p25.1.
Variant type: single nucleotide variant.
Coding change: c.1185A>G on transcript NM_024334.3 (MANE Select); coding-DNA position 1185, A replaced by G.
Protein change: p.Pro395=; no amino-acid change (proline 395 retained).
Molecular consequence: synonymous variant.
Genome position (GRCh38, 1-based): chr3:14,141,777, A>G. VCF-style: chr3-14141777-A-G. GRCh37 (hg19) VCF-style: chr3-14183277-A-G.
Identifiers: ClinVar variation 698815 (VCV000698815.16), dbSNP rs747754860, ClinGen allele CA051428.

ClinVar aggregate classification (germline): Likely benign. Review status: criteria provided, multiple submitters, no conflicts (2 of 4 stars). 5 submissions from 5 submitters: Likely benign (5). Last evaluated 2026-01-26.

Conditions:
Arrhythmogenic right ventricular dysplasia 5. Also called: Arrhythmogenic Right Ventricular Dysplasia/Cardiomyopathy 5; ARRHYTHMOGENIC RIGHT VENTRICULAR DYSPLASIA, FAMILIAL, 5. Identifiers: MedGen C1858379, MONDO:0011459, OMIM 604400.
Cardiovascular phenotype. Identifiers: MedGen CN230736.
Cardiomyopathy (CMYO). Also called: Cardiomyopathies. Identifiers: Orphanet 167848, MedGen C0878544, MONDO:0004994, HP:0001638. Inheritance: Various modes of inheritance.

Allele frequency attached by ClinVar (database versions not stated): TOPMed 0.00002; ExAC 0.00003; gnomAD exomes 0.00003 and 0.00006; gnomAD 0.00006.
gnomAD v4.1: 101 of 1,613,564 alleles (0.0063%); highest among the groups gnomAD compares: Non-Finnish European, 0.008%; no homozygotes.

Submissions (5):

Labcorp Genetics (formerly Invitae), Labcorp
Classification: Likely benign for Arrhythmogenic right ventricular dysplasia 5. Last evaluated: 2026-01-26. Review status: criteria provided, single submitter. Criteria: Invitae Variant Classification Sherloc (09022015). Collection method: clinical testing. Allele origin: germline.

Blueprint Genetics
Classification: Likely benign. Last evaluated: 2024-02-27. Review status: criteria provided, single submitter. Criteria: ACMG Guidelines, 2015. Collection method: clinical testing. Allele origin: germline.

All of Us Research Program, National Institutes of Health
Classification: Likely benign for Arrhythmogenic right ventricular dysplasia 5. Last evaluated: 2023-12-18. Review status: criteria provided, single submitter. Criteria: ACMG Guidelines, 2015. Collection method: clinical testing. Allele origin: germline. Inheritance: Autosomal dominant inheritance. Observed: 10 variant alleles, 10 heterozygotes.
Comment: This study involves interpretation of variants in research participants for the purpose of population health screening. Participant phenotype was not available at the time of variant classification. Additional details can be found in publication PMID: 35346344, PMCID: PMC8962531

Ambry Genetics
Classification: Likely benign for Cardiovascular phenotype. Last evaluated: 2019-05-17. Review status: criteria provided, single submitter. Criteria: Ambry Variant Classification Scheme 2023. Collection method: clinical testing. Allele origin: germline.

Color Diagnostics, LLC DBA Color Health
Classification: Likely benign for Cardiomyopathy. Last evaluated: 2018-12-04. Review status: criteria provided, single submitter. Criteria: ACMG Guidelines, 2015. Collection method: clinical testing. Allele origin: germline.